The following is an entry in ClinVar:

ClinVar aggregate classification (germline): Conflicting classifications of pathogenicity. Review status: criteria provided, conflicting classifications (1 of 4 stars). 4 submissions from 4 submitters: Uncertain significance (3); Likely benign (1). Last evaluated 2025-11-20.

Conditions:
Hereditary cancer-predisposing syndrome. Also called: Hereditary neoplastic syndrome; Neoplastic Syndromes, Hereditary; Hereditary Cancer Syndrome; Tumor predisposition. Identifiers: Orphanet 140162, MedGen C0027672, MeSH D009386, MONDO:0015356.
Familial cancer of breast. Also called: BREAST CANCER, FAMILIAL; hereditary breast carcinoma; Hereditary breast cancer. Identifiers: Orphanet 227535, MedGen C0346153, MONDO:0016419, OMIM 114480. Disease mechanism: loss of function.
Fanconi anemia complementation group N. Also called: PALB2-Related Fanconi Anemia. Identifiers: Orphanet 84, MedGen C1835817, MONDO:0012565, OMIM 610832. Disease mechanism: loss of function.
Pancreatic cancer, susceptibility to, 3. Identifiers: Orphanet 1333, MedGen C3150547, MONDO:0013236, OMIM 613348.

Allele frequency attached by ClinVar (database versions not stated): gnomAD exomes below 0.00001.
gnomAD v4.1: 4 of 1,614,042 alleles (0.00025%); highest among the groups gnomAD compares: Non-Finnish European, 0.00034%; no homozygotes.

Submissions (4):

Labcorp Genetics (formerly Invitae), Labcorp
Classification: Uncertain significance for Familial cancer of breast. Last evaluated: 2025-11-20. Review status: criteria provided, single submitter. Criteria: Invitae Variant Classification Sherloc (09022015). Collection method: clinical testing. Allele origin: germline.
Comment: This sequence change replaces glutamic acid, which is acidic and polar, with lysine, which is basic and polar, at codon 384 of the PALB2 protein (p.Glu384Lys). This variant is not present in population databases (gnomAD no frequency). This variant has not been reported in the literature in individuals affected with PALB2-related conditions. ClinVar contains an entry for this variant (Variation ID: 571957). Invitae Evidence Modeling of protein sequence and biophysical properties (such as structural, functional, and spatial information, amino acid conservation, physicochemical variation, residue mobility, and thermodynamic stability) has been performed for this missense variant. However, the output from this modeling did not meet the statistical confidence thresholds required to predict the impact of this variant on PALB2 protein function. RNA analysis performed to evaluate the impact of this missense change on mRNA splicing indicates it does not significantly alter splicing (internal data). In summary, the available evidence is currently insufficient to determine the role of this variant in disease. Therefore, it has been classified as a Variant of Uncertain Significance.

Ambry Genetics
Classification: Likely benign for Hereditary cancer-predisposing syndrome. Last evaluated: 2024-10-17. Review status: criteria provided, single submitter. Criteria: Ambry Variant Classification Scheme 2023. Collection method: clinical testing. Allele origin: germline.

Color Diagnostics, LLC DBA Color Health
Classification: Uncertain significance for Hereditary cancer-predisposing syndrome. Last evaluated: 2024-06-17. Review status: criteria provided, single submitter. Criteria: ACMG Guidelines, 2015. Collection method: clinical testing. Allele origin: germline.
Comment: This missense variant replaces glutamic acid with lysine at codon 384 of the PALB2 protein. Computational prediction suggests that this variant may not impact protein structure and function. To our knowledge, functional studies have not been reported for this variant. This variant has been reported in an individual affected with breast cancer in the literature (PMID: 28779002). This variant has not been identified in the general population by the Genome Aggregation Database (gnomAD). The available evidence is insufficient to determine the role of this variant in disease conclusively. Therefore, this variant is classified as a Variant of Uncertain Significance.

Fulgent Genetics
Classification: Uncertain significance for Familial cancer of breast; Fanconi anemia complementation group N; Pancreatic cancer, susceptibility to, 3. Last evaluated: 2021-09-29. Review status: criteria provided, single submitter. Criteria: ACMG Guidelines, 2015. Collection method: clinical testing. Allele origin: unknown.

Literature cited by the submitters: PubMed 28779002 (cited by Ambry Genetics and Color Diagnostics, LLC DBA Color Health).

NM_024675.4(PALB2):c.1150G>A (p.Glu384Lys)

Gene: PALB2 (partner and localizer of BRCA2; minus strand). Cytogenetic location: 16p12.2.
Variant type: single nucleotide variant.
Coding change: c.1150G>A on transcript NM_024675.4 (MANE Select); coding-DNA position 1150, G replaced by A.
Protein change: p.Glu384Lys; replaces glutamic acid 384 with lysine.
Molecular consequence: missense variant.
Genome position (GRCh38, 1-based): chr16:23,635,396, C>T on the plus strand (G>A on the coding strand, the complement: PALB2 is on the minus strand). VCF-style: chr16-23635396-C-T. GRCh37 (hg19) VCF-style: chr16-23646717-C-T.
Other names: short protein forms E384K.
Identifiers: ClinVar variation 571957 (VCV000571957.17), dbSNP rs1567221497, ClinGen allele CA395133552.
Genomic context (GRCh38, chr16:23,635,396, plus strand): 5'-ACAGAAGGCCTTCAGGCACTGTGCAAGAATGTTTTTCTGCAGAAAGAGGAGAGGTTGCTT[C>T]CAGGCTAAGACTCTTAGGTTGACTTAGAATCTCACTTTCCTGAAGATTTTCATTCCTGCC-3'
Protein context (NP_078951.2, residues 374-394): ILSQPKSLSL[Glu384Lys]ATSPLSAEKH